The following is an entry in ClinVar:

NM_016630.7(SPG21):c.601dup (p.Thr201fs)

Gene: SPG21 (SPG21 abhydrolase domain containing, maspardin; minus strand). Cytogenetic location: 15q22.31.
Variant type: Duplication.
Coding change: c.601dup on transcript NM_016630.7 (MANE Select); coding-DNA position 601, one base duplicated (A; older notation c.601dupA).
Protein change: p.Thr201fs; shifts the reading frame from threonine 201.
Molecular consequence: frameshift variant.
Genome position (GRCh38, 1-based): chr15:64,969,323, T duplicated on the plus strand (A on the coding strand, the reverse complement: SPG21 is on the minus strand). VCF-style (leftmost placement, unchanged base first): chr15-64969322-G-GT. GRCh37 (hg19) VCF-style: chr15-65261659-G-GT.
Other names: c.601dup, p.Thr201fs (NM_001127889.5); c.520dup, p.Thr174fs (NM_001127890.5); c.601dup (NM_016630.6); c.601dupA (NM_016630.7); short protein forms T201fs, T174fs.
Identifiers: ClinVar variation 2490 (VCV000002490.17), dbSNP rs387906275, ClinGen allele CA115578.
Genomic context (GRCh38, chr15:64,969,322, plus strand): 5'-ATAGTTACAGGTATGTCCCGAATTTTATGAGGTTCCACATAAGAATTTTGACAATTCAAG[G>GT]TAAGTCTTGAAGCCAGTTCACTCTGACCCAAACTTTCTAGCTGCAGGAAGAAACACAGGT-3'

ClinVar aggregate classification (germline): Pathogenic. Review status: criteria provided, multiple submitters, no conflicts (2 of 4 stars). 8 submissions from 8 submitters: Pathogenic (7). 1 of the submissions does not count toward it. Last evaluated 2025-10-02.

Conditions:
SPG21-related disorder. Also called: SPG21-related condition.
Hereditary spastic paraplegia. Also called: Familial spastic paraparesis. Identifiers: Orphanet 685, MedGen C0037773, MONDO:0019064. Disease mechanism: loss of function.
Mast syndrome. Also called: SPASTIC PARAPLEGIA 21, AUTOSOMAL RECESSIVE. Identifiers: Orphanet 101001, MedGen C1855346, MONDO:0009568, OMIM 248900.

Allele frequency attached by ClinVar (database versions not stated): TOPMed 0.00002; gnomAD 0.00001.

Submissions (8):

Labcorp Genetics (formerly Invitae), Labcorp
Classification: Pathogenic for Mast syndrome. Last evaluated: 2025-10-02. Review status: criteria provided, single submitter. Criteria: Invitae Variant Classification Sherloc (09022015). Collection method: clinical testing. Allele origin: germline.
Comment: This sequence change creates a premature translational stop signal (p.Thr201Asnfs*13) in the SPG21 gene. It is expected to result in an absent or disrupted protein product. Loss-of-function variants in SPG21 are known to be pathogenic (PMID: 14564668). This variant is not present in population databases (gnomAD no frequency). This premature translational stop signal has been observed in individual(s) with complex hereditary spastic paraplegia (PMID: 14564668). It has also been observed to segregate with disease in related individuals. This variant is also known as 601insA. ClinVar contains an entry for this variant (Variation ID: 2490). Algorithms developed to predict the effect of sequence changes on RNA splicing suggest that this variant may disrupt the consensus splice site. For these reasons, this variant has been classified as Pathogenic.

Clinical Genomics Laboratory, Washington University in St. Louis
Classification: Pathogenic for Mast syndrome. Last evaluated: 2025-09-08. Review status: criteria provided, single submitter. Criteria: ACMG Guidelines, 2015. Collection method: clinical testing. Allele origin: germline. Affected: yes.
Comment: The SPG21 c.601dup (p.Thr201Asnfs*13) variant has been reported in 14 individuals from the same family affected with Mast syndrome who were homozygous for the variant (Simpson MA et al., PMID: 14564668). This variant has been reported in the ClinVar database as a germline pathogenic variant by five submitters. This variant is only observed in 1/1,613,956 alleles in the general population (gnomAD v.4.1.0), indicating it is not a common variant. This variant causes a frameshift by duplicating one nucleotide, leading to a premature termination codon, which is predicted to lead to nonsense mediated decay. Based on available information and the ACMG/AMP guidelines for variant interpretation (Richards S et al., PMID: 25741868), this variant is classified as pathogenic.

GeneDx
Classification: Pathogenic. Last evaluated: 2025-06-29. Review status: criteria provided, single submitter. Criteria: GeneDx Variant Classification Process June 2021. Collection method: clinical testing. Allele origin: germline. Affected: yes.
Comment: Frameshift variant predicted to result in protein truncation or nonsense mediated decay in a gene for which loss of function is a known mechanism of disease; Not observed at significant frequency in large population cohorts (gnomAD); This variant is associated with the following publications: (PMID: 14564668)

Fulgent Genetics
Classification: Pathogenic for Mast syndrome. Last evaluated: 2024-05-07. Review status: criteria provided, single submitter. Criteria: ACMG Guidelines, 2015. Collection method: clinical testing. Allele origin: germline.

Women's Health and Genetics/Laboratory Corporation of America, LabCorp
Classification: Pathogenic for Hereditary spastic paraplegia. Last evaluated: 2024-01-29. Review status: criteria provided, single submitter. Criteria: LabCorp Variant Classification Summary - May 2015. Collection method: clinical testing. Allele origin: germline.
Comment: Variant summary: SPG21 c.601dupA (p.Thr201AsnfsX13) results in a premature termination codon, predicted to cause a truncation of the encoded protein or absence of the protein due to nonsense mediated decay, which are commonly known mechanisms for disease. The variant was absent in 251140 control chromosomes. c.601dupA has been reported in the literature in multiple individuals affected with Hereditary Spastic Paraplegia, Type 21 (Simpson_2003). These data indicate that the variant is very likely to be associated with disease. To our knowledge, no experimental evidence demonstrating an impact on protein function has been reported. The following publication have been ascertained in the context of this evaluation (PMID: 14564668). ClinVar contains an entry for this variant (Variation ID: 2490). Based on the evidence outlined above, the variant was classified as pathogenic.

Neuberg Centre For Genomic Medicine, NCGM
Classification: Pathogenic for Mast syndrome. Last evaluated: 2023-06-22. Review status: criteria provided, single submitter. Criteria: ACMG Guidelines, 2015. Collection method: clinical testing. Allele origin: germline. Inheritance: Autosomal recessive inheritance. Affected: yes.
Comment: The frameshift variant c.601dup (p.Thr201AsnfsTer13) in SPG21 gene has been observed in homozygous state in individual(s) with complex hereditary spastic paraplegia (Simpson et. al. 2003). It has also been observed to segregate with disease in related individuals. This variant is also known as 601insA. The p.Thr201AsnfsTer13 variant is absent in gnomAD exomes database. This variant has been submitted to the ClinVar database as Pathogenic. This sequence change creates a premature translational stop signal (p.Thr201Asnfs*13) in the SPG21 gene. It is expected to result in an absent or disrupted protein product. Loss-of-function variants in SPG21 are known to be pathogenic (Simpson et. al. 2003). For these reasons, this variant has been classified as Pathogenic.

Blueprint Genetics
Classification: Pathogenic for SPG21-related disorders. Last evaluated: 2022-11-05. Review status: criteria provided, single submitter. Criteria: ACMG Guidelines, 2015. Collection method: clinical testing. Allele origin: germline. Affected: yes. Observed: 3 variant alleles.

OMIM
Classification: Pathogenic for MAST SYNDROME. Last evaluated: 2003-11-01. Review status: no assertion criteria provided. Collection method: literature only. Allele origin: germline. Not counted in ClinVar's aggregate classification.

Literature cited by the submitters: PubMed 14564668 (cited by 3 submitters); PubMed 6024251 (cited by OMIM).